The following is an entry in ClinVar:

ClinVar aggregate classification (germline): Uncertain significance (1 of 4 stars; one submission).

Conditions:
Autosomal dominant hypocalcemia 1 (HYPOC1). Also called: HYPOCALCEMIA, FAMILIAL. Identifiers: MedGen C3715128, MONDO:0011013, OMIM 601198.
Familial hypocalciuric hypercalcemia (FHH). Also called: Familial benign hypercalcemia. Identifiers: Orphanet 405, MedGen C1809471, MONDO:0018458.

gnomAD v4.1: 1 of 1,614,000 alleles (0.000062%); highest among the groups gnomAD compares: Non-Finnish European, 0.000085%; no homozygotes.

Submission:

Labcorp Genetics (formerly Invitae), Labcorp
Classification: Uncertain significance for Familial hypocalciuric hypercalcemia; Autosomal dominant hypocalcemia 1. Last evaluated: 2024-08-28. Review status: criteria provided, single submitter. Criteria: Invitae Variant Classification Sherloc (09022015). Collection method: clinical testing. Allele origin: germline.
Comment: This sequence change replaces glycine, which is neutral and non-polar, with arginine, which is basic and polar, at codon 442 of the CASR protein (p.Gly442Arg). This variant is not present in population databases (gnomAD no frequency). This variant has not been reported in the literature in individuals affected with CASR-related conditions. An algorithm developed to predict the effect of missense changes on protein structure and function (PolyPhen-2) suggests that this variant is likely to be disruptive. In summary, the available evidence is currently insufficient to determine the role of this variant in disease. Therefore, it has been classified as a Variant of Uncertain Significance.

NM_000388.4(CASR):c.1324G>C (p.Gly442Arg)

Gene: CASR (calcium sensing receptor; plus strand). Cytogenetic location: 3q21.1.
Variant type: single nucleotide variant.
Coding change: c.1324G>C on transcript NM_000388.4 (MANE Select); coding-DNA position 1324, G replaced by C.
Protein change: p.Gly442Arg; replaces glycine 442 with arginine.
Molecular consequence: missense variant.
Genome position (GRCh38, 1-based): chr3:122,262,359, G>C. VCF-style: chr3-122262359-G-C. GRCh37 (hg19) VCF-style: chr3-121981206-G-C.
Other names: c.1324G>C, p.Gly442Arg (NM_001178065.2); short protein forms G442R.
Identifiers: ClinVar variation 3757854 (VCV003757854.2).